The following is an entry in ClinVar:

ClinVar aggregate classification (germline): Pathogenic (1 of 4 stars; one submission).

Conditions:
Cone-rod dystrophy 6 (CORD6). Also called: RETINAL CONE DYSTROPHY 2; Cone dystrophy progressive. Identifiers: Orphanet 1872, MedGen C1866293, MONDO:0011143, OMIM 601777.
Leber congenital amaurosis 1 (LCA1). Also called: Congenital absence of the rods and cones; Leber's congenital tapetoretinal degeneration; Leber's congenital tapetoretinal dysplasia; AMAUROSIS CONGENITA OF LEBER I; RETINAL BLINDNESS, CONGENITAL. Identifiers: Orphanet 65, MedGen C2931258, MONDO:0008764, OMIM 204000.

Submission:

Labcorp Genetics (formerly Invitae), Labcorp
Classification: Pathogenic for Leber congenital amaurosis 1; Cone-rod dystrophy 6. Last evaluated: 2023-02-03. Review status: criteria provided, single submitter. Criteria: Invitae Variant Classification Sherloc (09022015). Collection method: clinical testing. Allele origin: germline.
Comment: This sequence change replaces glycine, which is neutral and non-polar, with glutamic acid, which is acidic and polar, at codon 1013 of the GUCY2D protein (p.Gly1013Glu). This variant is not present in population databases (gnomAD no frequency). This missense change has been observed in individual(s) with Leber congenital amaurosis (PMID: 28966547, 32165824). In at least one individual the data is consistent with being in trans (on the opposite chromosome) from a pathogenic variant. ClinVar contains an entry for this variant (Variation ID: 982538). Algorithms developed to predict the effect of missense changes on protein structure and function (SIFT, PolyPhen-2, Align-GVGD) all suggest that this variant is likely to be disruptive. This variant disrupts the p.Gly1013 amino acid residue in GUCY2D. Other variant(s) that disrupt this residue have been determined to be pathogenic (PMID: 26047050; Invitae). This suggests that this residue is clinically significant, and that variants that disrupt this residue are likely to be disease-causing. For these reasons, this variant has been classified as Pathogenic.

Literature cited by the submitters: PubMed 28966547; PubMed 32165824; PubMed 26047050.

NM_000180.4(GUCY2D):c.3038G>A (p.Gly1013Glu)

Gene: GUCY2D (guanylate cyclase 2D, retinal; plus strand). Cytogenetic location: 17p13.1.
Variant type: single nucleotide variant.
Coding change: c.3038G>A on transcript NM_000180.4 (MANE Select); coding-DNA position 3038, G replaced by A.
Protein change: p.Gly1013Glu; replaces glycine 1013 with glutamic acid.
Molecular consequence: missense variant.
Genome position (GRCh38, 1-based): chr17:8,015,836, G>A. VCF-style: chr17-8015836-G-A. GRCh37 (hg19) VCF-style: chr17-7919154-G-A.
Other names: short protein forms G1013E.
Identifiers: ClinVar variation 982538 (VCV000982538.4), dbSNP rs1975959442, ClinGen allele CA397955455.